The following is an entry in ClinVar:

NM_000388.4(CASR):c.20G>C (p.Cys7Ser)

Gene: CASR (calcium sensing receptor; plus strand). Cytogenetic location: 3q21.1.
Variant type: single nucleotide variant.
Coding change: c.20G>C on transcript NM_000388.4 (MANE Select); coding-DNA position 20, G replaced by C.
Protein change: p.Cys7Ser; replaces cysteine 7 with serine.
Molecular consequence: missense variant.
Genome position (GRCh38, 1-based): chr3:122,254,209, G>C. VCF-style: chr3-122254209-G-C. GRCh37 (hg19) VCF-style: chr3-121973056-G-C.
Other names: c.20G>C, p.Cys7Ser (NM_001178065.2); short protein forms C7S.
Identifiers: ClinVar variation 1515860 (VCV001515860.6), dbSNP rs2074528024, ClinGen allele CA354361960.
Genomic context (GRCh38, chr3:122,254,209, plus strand): 5'-CCTAGCTGTCTCATCCCTTGCCCTGGAGAGACGGCAGAACCATGGCATTTTATAGCTGCT[G>C]CTGGGTCCTCTTGGCACTCACCTGGCACACCTCTGCCTACGGGCCAGACCAGCGAGCCCA-3'
Protein context (NP_000379.3, residues 1-17): MAFYSC[Cys7Ser]WVLLALTWHT

ClinVar aggregate classification (germline): Uncertain significance (1 of 4 stars; one submission).

Conditions:
Familial hypocalciuric hypercalcemia (FHH). Also called: Familial benign hypercalcemia. Identifiers: Orphanet 405, MedGen C1809471, MONDO:0018458.
Autosomal dominant hypocalcemia 1 (HYPOC1). Also called: HYPOCALCEMIA, FAMILIAL. Identifiers: MedGen C3715128, MONDO:0011013, OMIM 601198.

gnomAD v4.1: 1 of 1,613,290 alleles (0.000062%); highest among the groups gnomAD compares: South Asian, 0.0011%; no homozygotes.

Submission:

Labcorp Genetics (formerly Invitae), Labcorp
Classification: Uncertain significance for Familial hypocalciuric hypercalcemia; Autosomal dominant hypocalcemia 1. Last evaluated: 2022-07-12. Review status: criteria provided, single submitter. Criteria: Invitae Variant Classification Sherloc (09022015). Collection method: clinical testing. Allele origin: germline.
Comment: In summary, the available evidence is currently insufficient to determine the role of this variant in disease. Therefore, it has been classified as a Variant of Uncertain Significance. Algorithms developed to predict the effect of missense changes on protein structure and function output the following: SIFT: "Tolerated"; PolyPhen-2: "Benign"; Align-GVGD: "Class C0". The serine amino acid residue is found in multiple mammalian species, which suggests that this missense change does not adversely affect protein function. ClinVar contains an entry for this variant (Variation ID: 1515860). This variant has not been reported in the literature in individuals affected with CASR-related conditions. This variant is not present in population databases (gnomAD no frequency). This sequence change replaces cysteine, which is neutral and slightly polar, with serine, which is neutral and polar, at codon 7 of the CASR protein (p.Cys7Ser).